The following is an entry in ClinVar:

ClinVar aggregate classification (germline): Uncertain significance (1 of 4 stars; one submission).

Conditions:
Inborn genetic diseases. Identifiers: MedGen C0950123, MeSH D030342.

Submission:

Ambry Genetics
Classification: Uncertain significance for Inborn genetic diseases. Last evaluated: 2025-12-17. Review status: criteria provided, single submitter. Criteria: Ambry Variant Classification Scheme 2023. Collection method: clinical testing. Allele origin: germline.
Comment: The p.N537T variant (also known as c.1610A>C), located in coding exon 15 of the DDX41 gene, results from an A to C substitution at nucleotide position 1610. The asparagine at codon 537 is replaced by threonine, an amino acid with similar properties. This amino acid position is conserved. In addition, the in silico prediction for this alteration is inconclusive. Based on the available evidence, the clinical significance of this variant remains unclear.

NM_016222.4(DDX41):c.1610A>C (p.Asn537Thr)

Gene: DDX41 (DEAD-box helicase 41; minus strand). Cytogenetic location: 5q35.3.
Variant type: single nucleotide variant.
Coding change: c.1610A>C on transcript NM_016222.4 (MANE Select); coding-DNA position 1610, A replaced by C.
Protein change: p.Asn537Thr; replaces asparagine 537 with threonine.
Molecular consequence: missense variant.
Genome position (GRCh38, 1-based): chr5:177,512,333, T>G on the plus strand (A>C on the coding strand, the complement: DDX41 is on the minus strand). VCF-style: chr5-177512333-T-G. GRCh37 (hg19) VCF-style: chr5-176939334-T-G.
Other names: c.1232A>C, p.Asn411Thr (NM_001321732.2, NM_001321830.2); short protein forms N411T, N537T.
Identifiers: ClinVar variation 4841791 (VCV004841791.1).